The following is an entry in ClinVar:

ClinVar aggregate classification (germline): Pathogenic (1 of 4 stars; one submission).

Conditions:
Adenylosuccinate lyase deficiency (ADSLD). Also called: ADSL DEFICIENCY. Identifiers: Orphanet 46, MedGen C0268126, MONDO:0007068, OMIM 103050.

Allele frequency attached by ClinVar (database versions not stated): gnomAD exomes below 0.00001.
gnomAD v4.1: 4 of 1,613,840 alleles (0.00025%); highest among the groups gnomAD compares: East Asian, 0.0022%; no homozygotes.

Submission:

Labcorp Genetics (formerly Invitae), Labcorp
Classification: Pathogenic for Adenylosuccinate lyase deficiency. Last evaluated: 2022-09-13. Review status: criteria provided, single submitter. Criteria: Invitae Variant Classification Sherloc (09022015). Collection method: clinical testing. Allele origin: germline.
Comment: For these reasons, this variant has been classified as Pathogenic. ClinVar contains an entry for this variant (Variation ID: 1454913). This variant has not been reported in the literature in individuals affected with ADSL-related conditions. This variant is not present in population databases (gnomAD no frequency). This sequence change creates a premature translational stop signal (p.Arg245*) in the ADSL gene. It is expected to result in an absent or disrupted protein product. Loss-of-function variants in ADSL are known to be pathogenic (PMID: 10888601, 20177786).

Literature cited by the submitters: PubMed 10888601; PubMed 20177786.

NM_000026.4(ADSL):c.733C>T (p.Arg245Ter)

Gene: ADSL (adenylosuccinate lyase; plus strand). Cytogenetic location: 22q13.1.
Variant type: single nucleotide variant.
Coding change: c.733C>T on transcript NM_000026.4 (MANE Select); coding-DNA position 733, C replaced by T.
Protein change: p.Arg245Ter; replaces arginine 245 with a stop codon.
Molecular consequence: nonsense. On other transcripts: non-coding transcript variant (1).
Genome position (GRCh38, 1-based): chr22:40,360,433, C>T. VCF-style: chr22-40360433-C-T. GRCh37 (hg19) VCF-style: chr22-40756437-C-T.
Other names: c.733C>T, p.Arg245Ter (NM_001123378.3, NM_001363840.3); c.541C>T, p.Arg181Ter (NM_001317923.2); short protein forms R181*, R245*.
Identifiers: ClinVar variation 1454913 (VCV001454913.6), dbSNP rs2146658733, ClinGen allele CA411642589.